The following is an entry in ClinVar:

NM_014915.3(ANKRD26):c.268A>C (p.Asn90His)

Gene: ANKRD26 (ankyrin repeat domain containing 26; minus strand). Cytogenetic location: 10p12.1.
Variant type: single nucleotide variant.
Coding change: c.268A>C on transcript NM_014915.3 (MANE Select); coding-DNA position 268, A replaced by C.
Protein change: p.Asn90His; replaces asparagine 90 with histidine.
Molecular consequence: missense variant.
Genome position (GRCh38, 1-based): chr10:27,093,774, T>G on the plus strand (A>C on the coding strand, the complement: ANKRD26 is on the minus strand). VCF-style: chr10-27093774-T-G. GRCh37 (hg19) VCF-style: chr10-27382703-T-G.
Other names: c.268A>C, p.Asn90His (NM_001256053.2); short protein forms N90H.
Identifiers: ClinVar variation 3871334 (VCV003871334.1).

ClinVar aggregate classification (germline): Uncertain significance (1 of 4 stars; one submission).

Conditions:
Inborn genetic diseases. Identifiers: MedGen C0950123, MeSH D030342.

gnomAD v4.1: 2 of 1,614,124 alleles (0.00012%); highest among the groups gnomAD compares: Non-Finnish European, 0.00017%; no homozygotes.

Submission:

Ambry Genetics
Classification: Uncertain significance for Inborn genetic diseases. Last evaluated: 2025-02-15. Review status: criteria provided, single submitter. Criteria: Ambry Variant Classification Scheme 2023. Collection method: clinical testing. Allele origin: germline.
Comment: The p.N90H variant (also known as c.268A>C), located in coding exon 2 of the ANKRD26 gene, results from an A to C substitution at nucleotide position 268. The asparagine at codon 90 is replaced by histidine, an amino acid with similar properties. This amino acid position is conserved. In addition, this alteration is predicted to be tolerated by in silico analysis. Based on the available evidence, the clinical significance of this variant remains unclear.